The following is an entry in ClinVar:

ClinVar aggregate classification (germline): Benign. Review status: criteria provided, multiple submitters, no conflicts (2 of 4 stars). 6 submissions from 6 submitters: Benign (6). Last evaluated 2026-07-01.

Allele frequency attached by ClinVar (database versions not stated): 1000 Genomes Project 0.00300; 1000 Genomes Project 30x 0.00328; ExAC 0.00704; gnomAD exomes 0.00709 and 0.01117; TOPMed 0.00724; gnomAD 0.00754 and 0.00762; ESP Exome Variant Server 0.00853.
gnomAD v4.1: 17,391 of 1,614,118 alleles (1.1%); highest among the groups gnomAD compares: Non-Finnish European, 1.3%; 128 homozygotes.

Submissions (6):

CeGaT Center for Human Genetics Tuebingen
Classification: Benign. Last evaluated: 2026-07-01. Review status: criteria provided, single submitter. Criteria: CeGaT Center For Human Genetics Tuebingen Variant Classification Criteria Version 2. Collection method: clinical testing. Allele origin: germline. Affected: yes. Observed: 7 variant alleles.
Comment: TUBA8: BS1, BS2

Labcorp Genetics (formerly Invitae), Labcorp
Classification: Benign. Last evaluated: 2026-02-02. Review status: criteria provided, single submitter. Criteria: Invitae Variant Classification Sherloc (09022015). Collection method: clinical testing. Allele origin: germline.

Athena Diagnostics
Classification: Benign. Last evaluated: 2024-03-05. Review status: criteria provided, single submitter. Criteria: Athena Diagnostics Criteria. Collection method: clinical testing. Allele origin: unknown.

GeneDx
Classification: Benign. Last evaluated: 2017-03-02. Review status: criteria provided, single submitter. Criteria: GeneDx Variant Classification (06012015). Collection method: clinical testing. Allele origin: germline. Affected: yes.
Comment: This variant is considered likely benign or benign based on one or more of the following criteria: it is a conservative change, it occurs at a poorly conserved position in the protein, it is predicted to be benign by multiple in silico algorithms, and/or has population frequency not consistent with disease.

Genetic Services Laboratory, University of Chicago
Classification: Benign. Last evaluated: 2013-10-23. Review status: criteria provided, single submitter. Criteria: ACMG Guidelines, 2007. Collection method: clinical testing. Allele origin: germline. Inheritance: Autosomal recessive inheritance.

Breakthrough Genomics
Classification: Benign. Review status: criteria provided, single submitter. Criteria: ACMG Guidelines, 2015. Collection method: not provided. Allele origin: germline. Inheritance: Autosomal dominant inheritance. Affected: yes.

Literature cited by the submitters: PubMed 27325888 (cited by Athena Diagnostics).

NM_018943.3(TUBA8):c.383C>T (p.Ala128Val)

Gene: TUBA8 (tubulin alpha 8; plus strand). Cytogenetic location: 22q11.21.
Variant type: single nucleotide variant.
Coding change: c.383C>T on transcript NM_018943.3 (MANE Select); coding-DNA position 383, C replaced by T.
Protein change: p.Ala128Val; replaces alanine 128 with valine.
Molecular consequence: missense variant.
Genome position (GRCh38, 1-based): chr22:18,126,361, C>T. VCF-style: chr22-18126361-C-T. GRCh37 (hg19) VCF-style: chr22-18609128-C-T.
Other names: c.185C>T, p.Ala62Val (NM_001193414.2); short protein forms A128V, A62V.
Identifiers: ClinVar variation 160173 (VCV000160173.41), dbSNP rs2234331, ClinGen allele CA173769.